The following is an entry in ClinVar:

ClinVar aggregate classification (germline): Uncertain significance. Review status: criteria provided, multiple submitters, no conflicts (2 of 4 stars). 2 submissions from 2 submitters: Uncertain significance (2). Last evaluated 2024-05-08.

Conditions:
Charcot-Marie-Tooth disease type 2. Also called: Charcot-Marie-Tooth type 2. Identifiers: Orphanet 64746, MedGen C0270914, MONDO:0018993.

Allele frequency attached by ClinVar (database versions not stated): gnomAD exomes below 0.00001; TOPMed 0.00001.
gnomAD v4.1: 2 of 1,614,026 alleles (0.00012%); highest among the groups gnomAD compares: Non-Finnish European, 0.00017%; no homozygotes.

Submissions (2):

Labcorp Genetics (formerly Invitae), Labcorp
Classification: Uncertain significance for Charcot-Marie-Tooth disease type 2. Last evaluated: 2024-05-08. Review status: criteria provided, single submitter. Criteria: Invitae Variant Classification Sherloc (09022015). Collection method: clinical testing. Allele origin: germline.
Comment: This sequence change replaces isoleucine, which is neutral and non-polar, with valine, which is neutral and non-polar, at codon 223 of the KIF1B protein (p.Ile223Val). The frequency data for this variant in the population databases is considered unreliable, as metrics indicate poor data quality at this position in the gnomAD database. This variant has not been reported in the literature in individuals affected with KIF1B-related conditions. ClinVar contains an entry for this variant (Variation ID: 1754831). Advanced modeling of protein sequence and biophysical properties (such as structural, functional, and spatial information, amino acid conservation, physicochemical variation, residue mobility, and thermodynamic stability) performed at Invitae indicates that this missense variant is not expected to disrupt KIF1B protein function with a negative predictive value of 80%. In summary, the available evidence is currently insufficient to determine the role of this variant in disease. Therefore, it has been classified as a Variant of Uncertain Significance.

Ambry Genetics
Classification: Uncertain significance. Last evaluated: 2024-04-04. Review status: criteria provided, single submitter. Criteria: Ambry Variant Classification Scheme 2023. Collection method: clinical testing. Allele origin: germline.
Comment: The p.I223V variant (also known as c.667A>G), located in coding exon 6 of the KIF1B gene, results from an A to G substitution at nucleotide position 667. The isoleucine at codon 223 is replaced by valine, an amino acid with highly similar properties. This amino acid position is conserved. In addition, the in silico prediction for this alteration is inconclusive. Since supporting evidence is limited at this time, the clinical significance of this alteration remains unclear.

NM_001365951.3(KIF1B):c.667A>G (p.Ile223Val)

Gene: KIF1B (kinesin family member 1B; plus strand). Cytogenetic location: 1p36.22.
Variant type: single nucleotide variant.
Coding change: c.667A>G on transcript NM_001365951.3 (MANE Select); coding-DNA position 667, A replaced by G.
Protein change: p.Ile223Val; replaces isoleucine 223 with valine.
Molecular consequence: missense variant.
Genome position (GRCh38, 1-based): chr1:10,268,210, A>G. VCF-style: chr1-10268210-A-G. GRCh37 (hg19) VCF-style: chr1-10328268-A-G.
Other names: c.667A>G, p.Ile223Val (NM_001365952.1, NM_001365953.1, NM_015074.3 and 1 more transcripts); short protein forms I223V.
Identifiers: ClinVar variation 1754831 (VCV001754831.5), dbSNP rs1162021043, ClinGen allele CA338330418.